The following is an entry in ClinVar:

NM_152564.5(VPS13B):c.5433del (p.Phe1812fs)

Gene: VPS13B (vacuolar protein sorting 13 homolog B; plus strand). Cytogenetic location: 8q22.2.
Variant type: Deletion.
Coding change: c.5433del on transcript NM_152564.5 (MANE Select); coding-DNA position 5433, one base deleted (C; older notation c.5433delC).
Protein change: p.Phe1812fs; shifts the reading frame from phenylalanine 1812.
Molecular consequence: frameshift variant.
Genome position (GRCh38, 1-based): chr8:99,642,023, C deleted; the last of 3 consecutive C bases (chr8:99,642,021-99,642,023); deleting any one gives the same sequence. VCF-style (leftmost placement, unchanged base first): chr8-99642020-TC-T. GRCh37 (hg19) VCF-style: chr8-100654248-TC-T.
Other names: c.5508del, p.Phe1837fs (NM_017890.5); short protein forms F1812fs, F1837fs.
Identifiers: ClinVar variation 2135548 (VCV002135548.4), dbSNP rs2491206880, ClinGen allele CA2580079160.

ClinVar aggregate classification (germline): Pathogenic (1 of 4 stars; one submission).

Conditions:
Cohen syndrome (COH1). Also called: PEPPER SYNDROME; Cutis verticis gyrata, retinitis pigmentosa, and sensorineural deafness. Identifiers: Orphanet 193, MedGen C0265223, MONDO:0008999, OMIM 216550.

Submission:

Labcorp Genetics (formerly Invitae), Labcorp
Classification: Pathogenic for Cohen syndrome. Last evaluated: 2022-10-17. Review status: criteria provided, single submitter. Criteria: Invitae Variant Classification Sherloc (09022015). Collection method: clinical testing. Allele origin: germline.
Comment: For these reasons, this variant has been classified as Pathogenic. This variant has not been reported in the literature in individuals affected with VPS13B-related conditions. This variant is not present in population databases (gnomAD no frequency). This sequence change creates a premature translational stop signal (p.Phe1837Leufs*12) in the VPS13B gene. It is expected to result in an absent or disrupted protein product. Loss-of-function variants in VPS13B are known to be pathogenic (PMID: 15141358, 16648375, 20461111).

Literature cited by the submitters: PubMed 15141358; PubMed 16648375; PubMed 20461111.